The following is an entry in ClinVar:

NM_015122.3(FCHO1):c.920+21_920+59del

Gene: FCHO1 (FCH and mu domain containing endocytic adaptor 1; plus strand). Cytogenetic location: 19p13.11.
Variant type: Deletion.
Coding change: c.920+21_920+59del on transcript NM_015122.3 (MANE Select); bases 21 to 59 of the intron after coding-DNA position 920, 39 bases deleted.
Molecular consequence: intron variant.
Genome position (GRCh38, 1-based): chr19:17,774,499-17,774,537, 39 bases deleted; deleting any 39 consecutive bases within chr19:17,774,490-17,774,537 gives the same sequence; the c. name uses the placement nearest the transcript's 3' end. GRCh37 (hg19): chr19:17,885,308-17,885,346.
Other names: c.920+21_920+59del (NM_001384370.1, NM_001384396.1, NM_001384404.1 and 25 more transcripts); c.845+21_845+59del (NM_001384390.1); c.770+21_770+59del (NM_001384406.1, NM_001384407.1, NM_001384384.1 and 3 more transcripts); c.875+21_875+59del (NM_001384403.1); c.881+21_881+59del (NM_001384388.1, NM_001384405.1, NM_001384389.1).
Identifiers: ClinVar variation 3662475 (VCV003662475.2).

ClinVar aggregate classification (germline): Uncertain significance (1 of 4 stars; one submission).

Submission:

Labcorp Genetics (formerly Invitae), Labcorp
Classification: Uncertain significance. Last evaluated: 2024-08-31. Review status: criteria provided, single submitter. Criteria: Invitae Variant Classification Sherloc (09022015). Collection method: clinical testing. Allele origin: germline.
Comment: This sequence change falls in intron 13 of the FCHO1 gene. It does not directly change the encoded amino acid sequence of the FCHO1 protein. This variant is not present in population databases (gnomAD no frequency). This variant has not been reported in the literature in individuals affected with FCHO1-related conditions. Experimental studies and prediction algorithms are not available or were not evaluated, and the effect of this variant on mRNA splicing is currently unknown. In summary, the available evidence is currently insufficient to determine the role of this variant in disease. Therefore, it has been classified as a Variant of Uncertain Significance.